The following is an entry in ClinVar:

ClinVar aggregate classification (germline): Conflicting classifications of pathogenicity. Review status: criteria provided, conflicting classifications (1 of 4 stars). 4 submissions from 4 submitters: Uncertain significance (3); Likely benign (1). Last evaluated 2025-04-09.

Conditions:
Cardiovascular phenotype. Identifiers: MedGen CN230736.

Allele frequency attached by ClinVar (database versions not stated): TOPMed 0.00002; gnomAD 0.00003 and 0.00004.
gnomAD v4.1: 15 of 1,612,898 alleles (0.00093%); highest among the groups gnomAD compares: African/African-American, 0.0067%; no homozygotes.

Submissions (4):

Molecular Diagnostic Laboratory for Inherited Cardiovascular Disease, Montreal Heart Institute
Classification: Likely benign. Last evaluated: 2025-04-09. Review status: criteria provided, single submitter. Criteria: ACMG Guidelines, 2015. Collection method: clinical testing. Allele origin: germline. Affected: no.

Women's Health and Genetics/Laboratory Corporation of America, LabCorp
Classification: Uncertain significance. Last evaluated: 2021-03-25. Review status: criteria provided, single submitter. Criteria: LabCorp Variant Classification Summary - May 2015. Collection method: clinical testing. Allele origin: germline.
Comment: Variant summary: TTN c.70679G>A (p.Arg23560His) results in a non-conservative amino acid change located in the A-band domain of the encoded protein sequence. Five of five in-silico tools predict a damaging effect of the variant on protein function. The variant allele was found at a frequency of 8.1e-06 in 247990 control chromosomes (gnomAD). The available data on variant occurrences in the general population are insufficient to allow any conclusion about variant significance. To our knowledge, no occurrence of c.70679G>A in individuals affected with Dilated Cardiomyopathy and no experimental evidence demonstrating its impact on protein function have been reported. One ClinVar submitter (evaluation after 2014) cites the variant as uncertain significance. Based on the evidence outlined above, the variant was classified as uncertain significance.

Ambry Genetics
Classification: Uncertain significance for Cardiovascular phenotype. Last evaluated: 2020-06-24. Review status: criteria provided, single submitter. Criteria: Ambry Variant Classification Scheme 2023. Collection method: clinical testing. Allele origin: germline.
Comment: The p.R17063H variant (also known as c.51188G>A), located in coding exon 153 of the TTN gene, results from a G to A substitution at nucleotide position 51188. The arginine at codon 17063 is replaced by histidine, an amino acid with highly similar properties. This amino acid position is well conserved in available vertebrate species. In addition, this alteration is predicted to be tolerated by in silico analysis. Since supporting evidence is limited at this time, the clinical significance of this alteration remains unclear.

Eurofins Ntd Llc (ga)
Classification: Uncertain significance. Last evaluated: 2016-04-11. Review status: criteria provided, single submitter. Criteria: EGL Classification Definitions 2015. Collection method: clinical testing. Allele origin: germline. Observed: 1 variant allele, 1 heterozygote.

NM_001267550.2(TTN):c.78383G>A (p.Arg26128His)

Genes: TTN (titin; minus strand), TTN-AS1 (TTN antisense RNA 1; plus strand). Cytogenetic location: 2q31.2.
Variant type: single nucleotide variant.
Coding change: c.78383G>A on transcript NM_001267550.2 (MANE Select); coding-DNA position 78383, G replaced by A.
Protein change: p.Arg26128His; replaces arginine 26128 with histidine.
Molecular consequence: missense variant.
Genome position (GRCh38, 1-based): chr2:178,567,749, C>T on the plus strand (G>A on the coding strand, the complement: TTN is on the minus strand). VCF-style: chr2-178567749-C-T. GRCh37 (hg19) VCF-style: chr2-179432476-C-T.
Other names: c.73460G>A, p.Arg24487His (NM_001256850.1); c.51188G>A, p.Arg17063His (NM_003319.4); c.70679G>A, p.Arg23560His (NM_133378.4); c.51563G>A, p.Arg17188His (NM_133432.3); c.51764G>A, p.Arg17255His (NM_133437.4); short protein forms R26128H, R23560H, R17255H, R17063H, R17188H, R24487H.
Identifiers: ClinVar variation 287356 (VCV000287356.9), dbSNP rs757957389, ClinGen allele CA1989612.
Genomic context (GRCh38, chr2:178,567,749, plus strand): 5'-AATTGAGTTTCAATGACATTTGTAAAGCTAGCTTTCATCCAACGACCATCAGGCAAATCA[C>T]GTTTCTCTACAATGTAGCCTGTAATCATACTTCCACCATCATACACAGGTTTGGTCCACT-3'
Protein context (NP_001254479.2, residues 26118-26138): SMITGYIVEK[Arg26128His]DLPDGRWMKA